The following is an entry in ClinVar:

ClinVar aggregate classification (germline): Likely benign. Review status: criteria provided, single submitter (1 of 4 stars). 2 submissions from 2 submitters: Likely benign (1). 1 of the submissions does not count toward it. Last evaluated 2022-10-30.

Conditions:
PLXNA2-related disorder. Also called: PLXNA2-related condition.

Allele frequency attached by ClinVar (database versions not stated): ESP Exome Variant Server 0.00046; 1000 Genomes Project 30x 0.00047; 1000 Genomes Project 0.00060.
gnomAD v4.1: 93 of 1,613,228 alleles (0.0058%); highest among the groups gnomAD compares: African/African-American, 0.11%; no homozygotes.

Submissions (2):

Labcorp Genetics (formerly Invitae), Labcorp
Classification: Likely benign. Last evaluated: 2022-10-30. Review status: criteria provided, single submitter. Criteria: Invitae Variant Classification Sherloc (09022015). Collection method: clinical testing. Allele origin: germline.

PreventionGenetics, part of Exact Sciences
Classification: Likely benign for PLXNA2-related condition. Last evaluated: 2022-01-31. Review status: no assertion criteria provided. Collection method: clinical testing. Allele origin: germline. Not counted in ClinVar's aggregate classification.
Comment: This variant is classified as likely benign based on ACMG/AMP sequence variant interpretation guidelines (Richards et al. 2015 PMID: 25741868, with internal and published modifications).

NM_025179.4(PLXNA2):c.2451C>G (p.Ala817=)

Gene: PLXNA2 (plexin A2; minus strand). Cytogenetic location: 1q32.2.
Variant type: single nucleotide variant.
Coding change: c.2451C>G on transcript NM_025179.4 (MANE Select); coding-DNA position 2451, C replaced by G.
Protein change: p.Ala817=; no amino-acid change (alanine 817 retained).
Molecular consequence: synonymous variant.
Genome position (GRCh38, 1-based): chr1:208,079,395, G>C on the plus strand (C>G on the coding strand, the complement: PLXNA2 is on the minus strand). VCF-style: chr1-208079395-G-C. GRCh37 (hg19) VCF-style: chr1-208252740-G-C.
Other names: c.2451C>G (NM_025179.3).
Identifiers: ClinVar variation 2919712 (VCV002919712.5), dbSNP rs142754644, ClinGen allele CA1373512.